The following is an entry in ClinVar:

ClinVar aggregate classification (germline): Likely benign (0 of 4 stars; one submission).

Conditions:
GAPVD1-related disorder. Also called: GAPVD1-related condition.

gnomAD v4.1: 384 of 1,614,152 alleles (0.024%); highest among the groups gnomAD compares: Non-Finnish European, 0.031%; no homozygotes.

Submission:

PreventionGenetics, part of Exact Sciences
Classification: Likely benign for GAPVD1-related condition. Last evaluated: 2024-08-08. Review status: no assertion criteria provided. Collection method: clinical testing. Allele origin: germline.
Comment: This variant is classified as likely benign based on ACMG/AMP sequence variant interpretation guidelines (Richards et al. 2015 PMID: 25741868, with internal and published modifications).

NM_001282680.3(GAPVD1):c.2529A>G (p.Pro843=)

Gene: GAPVD1 (GTPase activating protein and VPS9 domains 1; plus strand). Cytogenetic location: 9q33.3.
Variant type: single nucleotide variant.
Coding change: c.2529A>G on transcript NM_001282680.3 (MANE Select); coding-DNA position 2529, A replaced by G.
Protein change: p.Pro843=; no amino-acid change (proline 843 retained).
Molecular consequence: synonymous variant. On other transcripts: non-coding transcript variant (2).
Genome position (GRCh38, 1-based): chr9:125,337,243, A>G. VCF-style: chr9-125337243-A-G. GRCh37 (hg19) VCF-style: chr9-128099522-A-G.
Other names: c.2529A>G, p.Pro843= (NM_001282679.2, NM_001330778.3, NM_001354294.2 and 4 more transcripts); c.2466A>G, p.Pro822= (NM_001282681.3, NM_001330777.3, NM_001354297.2 and 1 more transcripts); c.2610A>G, p.Pro870= (NM_001354298.2, NM_015635.4).
Identifiers: ClinVar variation 3352338 (VCV003352338.1).
Genomic context (GRCh38, chr9:125,337,243, plus strand): 5'-TGTGTCTCAGTTACAAAACTTTTTTTCCTGTGTTGCAGGGGCTTCTGCTGTGGTAAGGCC[A>G]AAGGTTCACTATGCTAGGCCATCGCATCCACCACCAGATCCCCCAATCCTGGAAGGAGCT-3'
Protein context (NP_001269609.1, residues 833-853): SHEGASAVVR[Pro843=]KVHYARPSHP